The following is an entry in ClinVar:

ClinVar aggregate classification (germline): Uncertain significance (1 of 4 stars; one submission).

Conditions:
Mosaic variegated aneuploidy syndrome 1 (MVA1). Also called: Warburton-Anyane-Yeboa syndrome. Identifiers: Orphanet 1052, MedGen C1850343, MONDO:0009759, OMIM 257300.

Submission:

Labcorp Genetics (formerly Invitae), Labcorp
Classification: Uncertain significance for Mosaic variegated aneuploidy syndrome 1. Last evaluated: 2021-04-05. Review status: criteria provided, single submitter. Criteria: Invitae Variant Classification Sherloc (09022015). Collection method: clinical testing. Allele origin: germline.
Comment: In summary, the available evidence is currently insufficient to determine the role of this variant in disease. Therefore, it has been classified as a Variant of Uncertain Significance. Algorithms developed to predict the effect of missense changes on protein structure and function output the following: SIFT: "Tolerated"; PolyPhen-2: "Benign"; Align-GVGD: "Class C0". The lysine amino acid residue is found in multiple mammalian species, suggesting that this missense change does not adversely affect protein function. These predictions have not been confirmed by published functional studies and their clinical significance is uncertain. This variant has not been reported in the literature in individuals with BUB1B-related conditions. This variant is not present in population databases (ExAC no frequency). This sequence change replaces arginine with lysine at codon 637 of the BUB1B protein (p.Arg637Lys). The arginine residue is weakly conserved and there is a small physicochemical difference between arginine and lysine.

NM_001211.6(BUB1B):c.1910G>A (p.Arg637Lys)

Gene: BUB1B (BUB1 mitotic checkpoint serine/threonine kinase B; plus strand). Cytogenetic location: 15q15.1.
Variant type: single nucleotide variant.
Coding change: c.1910G>A on transcript NM_001211.6 (MANE Select); coding-DNA position 1910, G replaced by A.
Protein change: p.Arg637Lys; replaces arginine 637 with lysine.
Molecular consequence: missense variant.
Genome position (GRCh38, 1-based): chr15:40,206,359, G>A. VCF-style: chr15-40206359-G-A. GRCh37 (hg19) VCF-style: chr15-40498560-G-A.
Other names: short protein forms R637K.
Identifiers: ClinVar variation 1418000 (VCV001418000.8), dbSNP rs2140904085, ClinGen allele CA391692661.